The following is an entry in ClinVar:

ClinVar aggregate classification (germline): Uncertain significance (1 of 4 stars; one submission).

Submission:

CeGaT Center for Human Genetics Tuebingen
Classification: Uncertain significance. Last evaluated: 2026-06-01. Review status: criteria provided, single submitter. Criteria: CeGaT Center For Human Genetics Tuebingen Variant Classification Criteria Version 2. Collection method: clinical testing. Allele origin: germline. Affected: yes. Observed: 1 variant allele.
Comment: PREX2: PM2

NM_024870.4(PREX2):c.2191A>T (p.Thr731Ser)

Gene: PREX2 (phosphatidylinositol-3,4,5-trisphosphate dependent Rac exchange factor 2; plus strand). Cytogenetic location: 8q13.2.
Variant type: single nucleotide variant.
Coding change: c.2191A>T on transcript NM_024870.4 (MANE Select); coding-DNA position 2191, A replaced by T.
Protein change: p.Thr731Ser; replaces threonine 731 with serine.
Molecular consequence: missense variant.
Genome position (GRCh38, 1-based): chr8:68,090,656, A>T. VCF-style: chr8-68090656-A-T. GRCh37 (hg19) VCF-style: chr8-69002891-A-T.
Other names: c.2191A>T, p.Thr731Ser (NM_025170.6); short protein forms T731S.
Identifiers: ClinVar variation 4875405 (VCV004875405.2).
Genomic context (GRCh38, chr8:68,090,656, plus strand): 5'-GCTGGTCTTCACCCTGGACAGTGCATTATCAAGGTGAATGGAATCAATGTCAGCAAAGAG[A>T]CACATGCCAGTGTCATTGCACACGTTACAGCCTGCAGGAAGTACAGGCGGCCAACGAAGG-3'
Protein context (NP_079146.2, residues 721-741): KVNGINVSKE[Thr731Ser]HASVIAHVTA